The following is an entry in ClinVar:

ClinVar aggregate classification (germline): Likely benign. Review status: criteria provided, multiple submitters, no conflicts (2 of 4 stars). 2 submissions from 2 submitters: Likely benign (2). Last evaluated 2025-04-18.

Conditions:
CAMTA1-related disorder. Also called: CAMTA1-related condition.

Allele frequency attached by ClinVar (database versions not stated): ExAC 0.00001; gnomAD exomes 0.00001; TOPMed 0.00002.
gnomAD v4.1: 10 of 1,612,660 alleles (0.00062%); highest among the groups gnomAD compares: Middle Eastern, 0.049%; no homozygotes.

Submissions (2):

PreventionGenetics, part of Exact Sciences
Classification: Likely benign for CAMTA1-related condition. Last evaluated: 2025-04-18. Review status: criteria provided, single submitter. Criteria: ACMG Guidelines, 2015. Collection method: clinical testing. Allele origin: germline.
Comment: This variant is classified as likely benign based on ACMG/AMP sequence variant interpretation guidelines (Richards et al. 2015 PMID: 25741868, with internal and published modifications).

Labcorp Genetics (formerly Invitae), Labcorp
Classification: Likely benign. Last evaluated: 2023-01-19. Review status: criteria provided, single submitter. Criteria: Invitae Variant Classification Sherloc (09022015). Collection method: clinical testing. Allele origin: germline.

NM_015215.4(CAMTA1):c.1659G>A (p.Ala553=)

Gene: CAMTA1 (calmodulin binding transcription activator 1; plus strand). Cytogenetic location: 1p36.23.
Variant type: single nucleotide variant.
Coding change: c.1659G>A on transcript NM_015215.4 (MANE Select); coding-DNA position 1659, G replaced by A.
Protein change: p.Ala553=; no amino-acid change (alanine 553 retained).
Molecular consequence: synonymous variant.
Genome position (GRCh38, 1-based): chr1:7,664,206, G>A. VCF-style: chr1-7664206-G-A. GRCh37 (hg19) VCF-style: chr1-7724266-G-A.
Other names: c.1659G>A (NM_015215.3); c.1569G>A, p.Ala523= (NM_001349608.2, NM_001349612.2); c.1659G>A, p.Ala553= (NM_001349609.2, NM_001349610.2, NM_001410737.1); c.1587G>A, p.Ala529= (NM_001410738.1).
Identifiers: ClinVar variation 1936344 (VCV001936344.6), dbSNP rs755361231, ClinGen allele CA566484.